The following is an entry in ClinVar:

ClinVar aggregate classification (germline): Uncertain significance (0 of 4 stars; one submission).

Conditions:
CPE-related disorder. Also called: CPE-related condition.

gnomAD v4.1: 4 of 1,613,530 alleles (0.00025%); highest among the groups gnomAD compares: East Asian, 0.0045%; no homozygotes.

Submission:

PreventionGenetics, part of Exact Sciences
Classification: Uncertain significance for CPE-related condition. Last evaluated: 2024-01-05. Review status: no assertion criteria provided. Collection method: clinical testing. Allele origin: germline.
Comment: The CPE c.553A>C variant is predicted to result in the amino acid substitution p.Ile185Leu. To our knowledge, this variant has not been reported in the literature. This variant is reported in 0.015% of alleles in individuals of East Asian descent in gnomAD. At this time, the clinical significance of this variant is uncertain due to the absence of conclusive functional and genetic evidence.

NM_001873.4(CPE):c.553A>C (p.Ile185Leu)

Gene: CPE (carboxypeptidase E; plus strand). Cytogenetic location: 4q32.3.
Variant type: single nucleotide variant.
Coding change: c.553A>C on transcript NM_001873.4 (MANE Select); coding-DNA position 553, A replaced by C.
Protein change: p.Ile185Leu; replaces isoleucine 185 with leucine.
Molecular consequence: missense variant.
Genome position (GRCh38, 1-based): chr4:165,467,736, A>C. VCF-style: chr4-165467736-A-C. GRCh37 (hg19) VCF-style: chr4-166388888-A-C.
Other names: short protein forms I185L.
Identifiers: ClinVar variation 3351323 (VCV003351323.1).